The following is an entry in ClinVar:

NM_001999.4(FBN2):c.7497G>A (p.Pro2499=)

Gene: FBN2 (fibrillin 2; minus strand). Cytogenetic location: 5q23.3.
Variant type: single nucleotide variant.
Coding change: c.7497G>A on transcript NM_001999.4 (MANE Select); coding-DNA position 7497, G replaced by A.
Protein change: p.Pro2499=; no amino-acid change (proline 2499 retained).
Molecular consequence: synonymous variant.
Genome position (GRCh38, 1-based): chr5:128,276,135, C>T on the plus strand (G>A on the coding strand, the complement: FBN2 is on the minus strand). VCF-style: chr5-128276135-C-T. GRCh37 (hg19) VCF-style: chr5-127611827-C-T.
Identifiers: ClinVar variation 416902 (VCV000416902.18), dbSNP rs756747736, ClinGen allele CA3394099.

ClinVar aggregate classification (germline): Likely benign. Review status: criteria provided, multiple submitters, no conflicts (2 of 4 stars). 5 submissions from 5 submitters: Likely benign (4). 1 of the submissions does not count toward it. Last evaluated 2025-11-03.

Conditions:
FBN2-related disorder. Also called: FBN2-related condition.
Congenital contractural arachnodactyly (CCA). Also called: Beals-Hecht syndrome; BEALS SYNDROME; Arthrogryposis, distal, type 9. Identifiers: Orphanet 115, MedGen C0220668, MONDO:0007363, OMIM 121050.
Familial thoracic aortic aneurysm and aortic dissection (TAAD). Also called: Thoracic aortic aneurysms and dissections. Identifiers: Orphanet 91387, MedGen C4707243, MONDO:0019625.

Allele frequency attached by ClinVar (database versions not stated): gnomAD exomes 0.00003; ExAC 0.00005; gnomAD 0.00007 and 0.00009; TOPMed 0.00008.
gnomAD v4.1: 63 of 1,613,606 alleles (0.0039%); highest among the groups gnomAD compares: African/African-American, 0.0093%; no homozygotes.

Submissions (5):

Labcorp Genetics (formerly Invitae), Labcorp
Classification: Likely benign for Congenital contractural arachnodactyly. Last evaluated: 2025-11-03. Review status: criteria provided, single submitter. Criteria: Invitae Variant Classification Sherloc (09022015). Collection method: clinical testing. Allele origin: germline.

Blueprint Genetics
Classification: Likely benign. Last evaluated: 2024-02-20. Review status: criteria provided, single submitter. Criteria: ACMG Guidelines, 2015. Collection method: clinical testing. Allele origin: germline.

Ambry Genetics
Classification: Likely benign for Familial thoracic aortic aneurysm and aortic dissection. Last evaluated: 2020-12-31. Review status: criteria provided, single submitter. Criteria: Ambry Variant Classification Scheme 2023. Collection method: clinical testing. Allele origin: germline.

GeneDx
Classification: Likely benign. Last evaluated: 2019-12-06. Review status: criteria provided, single submitter. Criteria: GeneDx Variant Classification Process June 2021. Collection method: clinical testing. Allele origin: germline. Affected: yes.

PreventionGenetics, part of Exact Sciences
Classification: Likely benign for FBN2-related condition. Last evaluated: 2024-04-09. Review status: no assertion criteria provided. Collection method: clinical testing. Allele origin: germline. Not counted in ClinVar's aggregate classification.
Comment: This variant is classified as likely benign based on ACMG/AMP sequence variant interpretation guidelines (Richards et al. 2015 PMID: 25741868, with internal and published modifications).